The following is an entry in ClinVar:

ClinVar aggregate classification (germline): Conflicting classifications of pathogenicity. Review status: criteria provided, conflicting classifications (1 of 4 stars). 4 submissions from 4 submitters: Uncertain significance (2); Likely benign (2). Last evaluated 2026-05-04.

Conditions:
MYPN-related myopathy (CMYO24). Also called: Nemaline myopathy 11, autosomal recessive. Identifiers: MedGen C4479186, MONDO:0015023, OMIM 617336.
Dilated cardiomyopathy 1KK (CMD1KK). Identifiers: Orphanet 154, Orphanet 75249, MedGen C3714995, MONDO:0014100, OMIM 615248.
Cardiovascular phenotype. Identifiers: MedGen CN230736.

Allele frequency attached by ClinVar (database versions not stated): gnomAD exomes 0.00022; TOPMed 0.00001; 1000 Genomes Project 30x 0.00047; ExAC 0.00027; gnomAD below 0.00001 and 0.00005; 1000 Genomes Project 0.00060.
gnomAD v4.1: 166 of 1,614,048 alleles (0.01%); highest among the groups gnomAD compares: South Asian, 0.17%; 1 homozygote.

Submissions (4):

Women's Health and Genetics/Laboratory Corporation of America, LabCorp
Classification: Likely benign. Last evaluated: 2026-05-04. Review status: criteria provided, single submitter. Criteria: LabCorp Variant Classification Summary - May 2015. Collection method: clinical testing. Allele origin: germline.
Comment: Variant summary: MYPN c.2165G>A (p.Arg722Gln) results in a conservative amino acid change in the encoded protein sequence. Algorithms developed to predict the effect of missense changes on protein structure and function are either unavailable or do not agree on the potential impact of this missense change. The variant allele was found at a frequency of 0.00022 in 251446 control chromosomes, predominantly at a frequency of 0.0018 within the South Asian subpopulation in the gnomAD database. The observed variant frequency within South Asian control individuals in the gnomAD database exceeds the estimated maximal expected allele frequency for disease-causing variants in MYPN. To our knowledge, no occurrence of c.2165G>A in individuals affected with MYPN-related conditions and no experimental evidence demonstrating its impact on protein function have been reported. ClinVar contains an entry for this variant (Variation ID: 477747). Based on the evidence outlined above, the variant was classified as likely benign.

Fulgent Genetics
Classification: Uncertain significance for Dilated cardiomyopathy 1KK; MYPN-related myopathy. Last evaluated: 2024-03-12. Review status: criteria provided, single submitter. Criteria: ACMG Guidelines, 2015. Collection method: clinical testing. Allele origin: germline.

Labcorp Genetics (formerly Invitae), Labcorp
Classification: Uncertain significance for Dilated cardiomyopathy 1KK. Last evaluated: 2022-07-19. Review status: criteria provided, single submitter. Criteria: Invitae Variant Classification Sherloc (09022015). Collection method: clinical testing. Allele origin: germline.
Comment: This sequence change replaces arginine, which is basic and polar, with glutamine, which is neutral and polar, at codon 722 of the MYPN protein (p.Arg722Gln). This variant is present in population databases (rs530701227, gnomAD 0.2%). This variant has not been reported in the literature in individuals affected with MYPN-related conditions. ClinVar contains an entry for this variant (Variation ID: 477747). Algorithms developed to predict the effect of missense changes on protein structure and function are either unavailable or do not agree on the potential impact of this missense change (SIFT: "Deleterious"; PolyPhen-2: "Benign"; Align-GVGD: "Class C35"). In summary, the available evidence is currently insufficient to determine the role of this variant in disease. Therefore, it has been classified as a Variant of Uncertain Significance.

Ambry Genetics
Classification: Likely benign for Cardiovascular phenotype. Last evaluated: 2020-09-03. Review status: criteria provided, single submitter. Criteria: Ambry Variant Classification Scheme 2023. Collection method: clinical testing. Allele origin: germline.

NM_032578.4(MYPN):c.2165G>A (p.Arg722Gln)

Gene: MYPN (myopalladin; plus strand). Cytogenetic location: 10q21.3.
Variant type: single nucleotide variant.
Coding change: c.2165G>A on transcript NM_032578.4 (MANE Select); coding-DNA position 2165, G replaced by A.
Protein change: p.Arg722Gln; replaces arginine 722 with glutamine.
Molecular consequence: missense variant. On other transcripts: non-coding transcript variant (2).
Genome position (GRCh38, 1-based): chr10:68,174,257, G>A. VCF-style: chr10-68174257-G-A. GRCh37 (hg19) VCF-style: chr10-69934014-G-A.
Other names: c.2165G>A, p.Arg722Gln (NM_001256267.2); c.1283G>A, p.Arg428Gln (NM_001256268.2); short protein forms R722Q, R428Q.
Identifiers: ClinVar variation 477747 (VCV000477747.14), dbSNP rs530701227, ClinGen allele CA5522742.